The following is an entry in ClinVar:

NM_015512.5(DNAH1):c.9908G>A (p.Gly3303Glu)

Gene: DNAH1 (dynein axonemal heavy chain 1; plus strand). Cytogenetic location: 3p21.1.
Variant type: single nucleotide variant.
Coding change: c.9908G>A on transcript NM_015512.5 (MANE Select); coding-DNA position 9908, G replaced by A.
Protein change: p.Gly3303Glu; replaces glycine 3303 with glutamic acid.
Molecular consequence: missense variant.
Genome position (GRCh38, 1-based): chr3:52,391,459, G>A. VCF-style: chr3-52391459-G-A. GRCh37 (hg19) VCF-style: chr3-52425475-G-A.
Other names: short protein forms G3303E.
Identifiers: ClinVar variation 3751365 (VCV003751365.2).

ClinVar aggregate classification (germline): Uncertain significance (1 of 4 stars; one submission).

Conditions:
Spermatogenic failure 18. Identifiers: MedGen C4539783, MONDO:0054615, OMIM 617576.
Ciliary dyskinesia, primary, 37 (CILD37). Also called: CILIARY DYSKINESIA, PRIMARY, 37, WITH OR WITHOUT SITUS INVERSUS. Identifiers: MedGen C4539798, MONDO:0033204, OMIM 617577.

Submission:

Labcorp Genetics (formerly Invitae), Labcorp
Classification: Uncertain significance for Ciliary dyskinesia, primary, 37; Spermatogenic failure 18. Last evaluated: 2024-07-24. Review status: criteria provided, single submitter. Criteria: Invitae Variant Classification Sherloc (09022015). Collection method: clinical testing. Allele origin: germline.
Comment: This sequence change replaces glycine, which is neutral and non-polar, with glutamic acid, which is acidic and polar, at codon 3303 of the DNAH1 protein (p.Gly3303Glu). This variant is not present in population databases (gnomAD no frequency). This variant has not been reported in the literature in individuals affected with DNAH1-related conditions. Advanced modeling of protein sequence and biophysical properties (such as structural, functional, and spatial information, amino acid conservation, physicochemical variation, residue mobility, and thermodynamic stability) has been performed at Invitae for this missense variant, however the output from this modeling did not meet the statistical confidence thresholds required to predict the impact of this variant on DNAH1 protein function. In summary, the available evidence is currently insufficient to determine the role of this variant in disease. Therefore, it has been classified as a Variant of Uncertain Significance.